The following is an entry in ClinVar:

NM_000301.5(PLG):c.1329C>A (p.Ser443Arg)

Gene: PLG (plasminogen; plus strand). Cytogenetic location: 6q26.
Variant type: single nucleotide variant.
Coding change: c.1329C>A on transcript NM_000301.5 (MANE Select); coding-DNA position 1329, C replaced by A.
Protein change: p.Ser443Arg; replaces serine 443 with arginine.
Molecular consequence: missense variant.
Genome position (GRCh38, 1-based): chr6:160,731,123, C>A. VCF-style: chr6-160731123-C-A. GRCh37 (hg19) VCF-style: chr6-161152155-C-A.
Other names: short protein forms S443R.
Identifiers: ClinVar variation 1365591 (VCV001365591.9), dbSNP rs756670030, ClinGen allele CA4087750.

ClinVar aggregate classification (germline): Uncertain significance. Review status: criteria provided, multiple submitters, no conflicts (2 of 4 stars). 2 submissions from 2 submitters: Uncertain significance (2). Last evaluated 2022-05-24.

Conditions:
Angioedema, hereditary, 4. Identifiers: MedGen C5543503, MONDO:0025712, OMIM 619360.
Plasminogen deficiency, type I. Also called: Type 1 plasminogen deficiency; Hypoplasminogenemia. Identifiers: Orphanet 722, MedGen C1968804, MONDO:0009009, OMIM 217090.

gnomAD v4.1: 4 of 1,613,750 alleles (0.00025%); highest among the groups gnomAD compares: East Asian, 0.0022%; no homozygotes.

Submissions (2):

Fulgent Genetics
Classification: Uncertain significance for Plasminogen deficiency, type I; Angioedema, hereditary, 4. Last evaluated: 2022-05-24. Review status: criteria provided, single submitter. Criteria: ACMG Guidelines, 2015. Collection method: clinical testing. Allele origin: unknown.

Labcorp Genetics (formerly Invitae), Labcorp
Classification: Uncertain significance. Last evaluated: 2021-07-03. Review status: criteria provided, single submitter. Criteria: Invitae Variant Classification Sherloc (09022015). Collection method: clinical testing. Allele origin: germline.
Comment: In summary, the available evidence is currently insufficient to determine the role of this variant in disease. Therefore, it has been classified as a Variant of Uncertain Significance. Algorithms developed to predict the effect of missense changes on protein structure and function output the following: SIFT: "Tolerated"; PolyPhen-2: "Benign"; Align-GVGD: "Class C0". The arginine amino acid residue is found in multiple mammalian species, which suggests that this missense change does not adversely affect protein function. This variant has not been reported in the literature in individuals affected with PLG-related conditions. This variant is present in population databases (rs756670030, ExAC 0.01%). This sequence change replaces serine with arginine at codon 443 of the PLG protein (p.Ser443Arg). The serine residue is moderately conserved and there is a moderate physicochemical difference between serine and arginine.